The following is an entry in ClinVar:

ClinVar aggregate classification (germline): Uncertain significance. Review status: criteria provided, multiple submitters, no conflicts (2 of 4 stars). 2 submissions from 2 submitters: Uncertain significance (2). Last evaluated 2025-08-13.

Conditions:
Inborn genetic diseases. Identifiers: MedGen C0950123, MeSH D030342.

Allele frequency attached by ClinVar (database versions not stated): ExAC 0.00001; gnomAD 0.00003; TOPMed 0.00004.
gnomAD v4.1: 23 of 1,613,280 alleles (0.0014%); highest among the groups gnomAD compares: Admixed American, 0.012%; no homozygotes.

Submissions (2):

Ambry Genetics
Classification: Uncertain significance for Inborn genetic diseases. Last evaluated: 2025-08-13. Review status: criteria provided, single submitter. Criteria: Ambry Variant Classification Scheme 2023. Collection method: clinical testing. Allele origin: germline.

Labcorp Genetics (formerly Invitae), Labcorp
Classification: Uncertain significance. Last evaluated: 2022-07-25. Review status: criteria provided, single submitter. Criteria: Invitae Variant Classification Sherloc (09022015). Collection method: clinical testing. Allele origin: germline.
Comment: This sequence change replaces alanine, which is neutral and non-polar, with threonine, which is neutral and polar, at codon 734 of the PCDH15 protein (p.Ala734Thr). This variant is present in population databases (rs781579614, gnomAD 0.01%). This variant has not been reported in the literature in individuals affected with PCDH15-related conditions. ClinVar contains an entry for this variant (Variation ID: 1387824). Algorithms developed to predict the effect of missense changes on protein structure and function are either unavailable or do not agree on the potential impact of this missense change (SIFT: "Tolerated"; PolyPhen-2: "Possibly Damaging"; Align-GVGD: "Class C0"). In summary, the available evidence is currently insufficient to determine the role of this variant in disease. Therefore, it has been classified as a Variant of Uncertain Significance.

NM_001384140.1(PCDH15):c.2200G>A (p.Ala734Thr)

Gene: PCDH15 (protocadherin related 15; minus strand). Cytogenetic location: 10q21.1.
Variant type: single nucleotide variant.
Coding change: c.2200G>A on transcript NM_001384140.1 (MANE Select); coding-DNA position 2200, G replaced by A.
Protein change: p.Ala734Thr; replaces alanine 734 with threonine.
Molecular consequence: missense variant.
Genome position (GRCh38, 1-based): chr10:54,066,777, C>T on the plus strand (G>A on the coding strand, the complement: PCDH15 is on the minus strand). VCF-style: chr10-54066777-C-T. GRCh37 (hg19) VCF-style: chr10-55826537-C-T.
Other names: c.2215G>A, p.Ala739Thr (NM_001142763.2, NM_001142771.2); c.2200G>A, p.Ala734Thr (NM_001142764.2, NM_001142766.2, NM_001142770.3 and 5 more transcripts); c.1987G>A, p.Ala663Thr (NM_001142765.2); c.2089G>A, p.Ala697Thr (NM_001142767.2); c.2134G>A, p.Ala712Thr (NM_001142768.2, NM_001142773.2, NM_001354404.2); c.2236G>A, p.Ala746Thr (NM_001142769.4); c.2221G>A, p.Ala741Thr (NM_001354411.2); short protein forms A739T, A663T, A741T, A746T, A697T, A712T, A734T.
Identifiers: ClinVar variation 1387824 (VCV001387824.6), dbSNP rs781579614, ClinGen allele CA5506101.